The following is an entry in ClinVar:

ClinVar aggregate classification (germline): Benign/Likely benign. Review status: criteria provided, multiple submitters, no conflicts (2 of 4 stars). 6 submissions from 6 submitters: Benign (2); Likely benign (3). 1 of the submissions does not count toward it. Last evaluated 2025-10-08.

Conditions:
Treacher Collins syndrome 1 (TCS1). Also called: TCOF1-Related Treacher Collins Syndrome. Identifiers: Orphanet 861, MedGen CN315775, MONDO:0007944, OMIM 154500.
TCOF1-related disorder. Also called: TCOF1-related condition.

Allele frequency attached by ClinVar (database versions not stated): 1000 Genomes Project 0.00020; 1000 Genomes Project 30x 0.00031; gnomAD 0.00031 and 0.00033; gnomAD exomes 0.00032 and 0.00070; TOPMed 0.00035; ESP Exome Variant Server 0.00039; ExAC 0.00067.
gnomAD v4.1: 537 of 1,582,910 alleles (0.034%); highest among the groups gnomAD compares: Middle Eastern, 0.12%; 2 homozygotes.

Submissions (6):

Labcorp Genetics (formerly Invitae), Labcorp
Classification: Benign for Treacher Collins syndrome 1. Last evaluated: 2025-10-08. Review status: criteria provided, single submitter. Criteria: Invitae Variant Classification Sherloc (09022015). Collection method: clinical testing. Allele origin: germline.

Blueprint Genetics
Classification: Likely benign. Last evaluated: 2024-09-09. Review status: criteria provided, single submitter. Criteria: ACMG Guidelines, 2015. Collection method: clinical testing. Allele origin: germline.

GeneDx
Classification: Likely benign. Last evaluated: 2020-09-22. Review status: criteria provided, single submitter. Criteria: GeneDx Variant Classification Process June 2021. Collection method: clinical testing. Allele origin: germline. Affected: yes.

Eurofins Ntd Llc (ga)
Classification: Benign. Last evaluated: 2017-05-01. Review status: criteria provided, single submitter. Criteria: EGL Classification Definitions 2015. Collection method: clinical testing. Allele origin: germline. Observed: 1 variant allele, 1 heterozygote.

Breakthrough Genomics
Classification: Likely benign. Review status: criteria provided, single submitter. Criteria: ACMG Guidelines, 2015. Collection method: not provided. Allele origin: germline. Inheritance: Autosomal dominant inheritance. Affected: yes.

PreventionGenetics, part of Exact Sciences
Classification: Benign for TCOF1-related condition. Last evaluated: 2019-08-16. Review status: no assertion criteria provided. Collection method: clinical testing. Allele origin: germline. Not counted in ClinVar's aggregate classification.
Comment: This variant is classified as benign based on ACMG/AMP sequence variant interpretation guidelines (Richards et al. 2015 PMID: 25741868, with internal and published modifications).

NM_001371623.1(TCOF1):c.4099A>C (p.Lys1367Gln)

Gene: TCOF1 (treacle ribosome biogenesis factor 1; plus strand). Cytogenetic location: 5q32.
Variant type: single nucleotide variant.
Coding change: c.4099A>C on transcript NM_001371623.1 (MANE Select); coding-DNA position 4099, A replaced by C.
Protein change: p.Lys1367Gln; replaces lysine 1367 with glutamine.
Molecular consequence: missense variant.
Genome position (GRCh38, 1-based): chr5:150,396,596, A>C. VCF-style: chr5-150396596-A-C. GRCh37 (hg19) VCF-style: chr5-149776159-A-C.
Other names: c.3865A>C, p.Lys1289Gln (NM_000356.4); c.4096A>C, p.Lys1366Gln (NM_001135243.2); c.3985A>C, p.Lys1329Gln (NM_001135244.2); c.3868A>C, p.Lys1290Gln (NM_001135245.2); c.3982A>C, p.Lys1328Gln (NM_001195141.2); short protein forms K1289Q, K1366Q, K1290Q, K1329Q, K1328Q, K1367Q.
Identifiers: ClinVar variation 501590 (VCV000501590.20), dbSNP rs201234047, ClinGen allele CA3511664.